The following is an entry in ClinVar:

ClinVar aggregate classification (germline): Benign. Review status: criteria provided, multiple submitters, no conflicts (2 of 4 stars). 4 submissions from 4 submitters: Benign (4). Last evaluated 2026-01-27.

Conditions:
Retinitis pigmentosa (RP). Identifiers: Orphanet 791, MedGen C0035334, MeSH D012174, MONDO:0019200, OMIM 268000. Inheritance: Autosomal dominant, autosomal recessive and X linked inheritance.
Retinitis pigmentosa 13 (RP13). Also called: PRPF 8-Related Retinitis Pigmentosa. Identifiers: Orphanet 791, MedGen C1838702, MONDO:0010806, OMIM 600059.

Allele frequency attached by ClinVar (database versions not stated): 1000 Genomes Project 0.01138; 1000 Genomes Project 30x 0.01234; gnomAD 0.01296 and 0.01407; TOPMed 0.01461; ESP Exome Variant Server 0.01615; gnomAD exomes 0.00127 and 0.00328; ExAC 0.00406.
gnomAD v4.1: 3,888 of 1,613,640 alleles (0.24%); highest among the groups gnomAD compares: African/African-American, 4.6%; 77 homozygotes.

Submissions (4):

Labcorp Genetics (formerly Invitae), Labcorp
Classification: Benign. Last evaluated: 2026-01-27. Review status: criteria provided, single submitter. Criteria: Invitae Variant Classification Sherloc (09022015). Collection method: clinical testing. Allele origin: germline.

ARUP Laboratories, Molecular Genetics and Genomics, ARUP Laboratories
Classification: Benign for Retinitis pigmentosa 13. Last evaluated: 2023-11-29. Review status: criteria provided, single submitter. Criteria: ARUP Molecular Germline Variant Investigation Process 2024. Collection method: clinical testing. Allele origin: germline.

Illumina Laboratory Services, Illumina
Classification: Benign for Retinitis pigmentosa. Last evaluated: 2018-01-13. Review status: criteria provided, single submitter. Criteria: ICSL Variant Classification Criteria 13 December 2019. Collection method: clinical testing. Allele origin: germline.
Comment: This variant was observed in the ICSL laboratory as part of a predisposition screen in an ostensibly healthy population. It had not been previously curated by ICSL or reported in the Human Gene Mutation Database (HGMD: prior to June 1st, 2018), and was therefore a candidate for classification through an automated scoring system. Utilizing variant allele frequency, disease prevalence and penetrance estimates, and inheritance mode, an automated score was calculated to assess if this variant is too frequent to cause the disease. Based on the score and internal cut-off values, a variant classified as benign is not then subjected to further curation. The score for this variant resulted in a classification of benign for this disease.

Breakthrough Genomics
Classification: Benign. Review status: criteria provided, single submitter. Criteria: ACMG Guidelines, 2015. Collection method: not provided. Allele origin: germline. Inheritance: Autosomal dominant inheritance. Affected: yes.

NM_006445.4(PRPF8):c.1855-13C>T

Gene: PRPF8 (pre-mRNA processing factor 8; minus strand). Cytogenetic location: 17p13.3.
Variant type: single nucleotide variant.
Coding change: c.1855-13C>T on transcript NM_006445.4 (MANE Select); 13 bases into the intron before coding-DNA position 1855, C replaced by T.
Molecular consequence: intron variant.
Genome position (GRCh38, 1-based): chr17:1,677,707, G>A on the plus strand (C>T on the coding strand, the complement: PRPF8 is on the minus strand). VCF-style: chr17-1677707-G-A. GRCh37 (hg19) VCF-style: chr17-1581001-G-A.
Identifiers: ClinVar variation 321908 (VCV000321908.23), dbSNP rs16951135, ClinGen allele CA8272234.